The following is an entry in ClinVar:

ClinVar aggregate classification (germline): Pathogenic/Likely pathogenic. Review status: criteria provided, multiple submitters, no conflicts (2 of 4 stars). 2 submissions from 2 submitters: Pathogenic (1); Likely pathogenic (1). Last evaluated 2025-12-01.

Conditions:
Propionic acidemia (PROP). Also called: GLYCINEMIA, KETOTIC; HYPERGLYCINEMIA WITH KETOACIDOSIS AND LEUKOPENIA; KETOTIC HYPERGLYCINEMIA. Identifiers: Orphanet 35, MedGen C0268579, MONDO:0011628, OMIM 606054, HP:0003571.

gnomAD v4.1: 12 of 1,612,734 alleles (0.00074%); highest among the groups gnomAD compares: East Asian, 0.027%; no homozygotes.

Submissions (2):

Myriad Genetics, Inc.
Classification: Likely pathogenic for Propionic acidemia. Last evaluated: 2025-12-01. Review status: criteria provided, single submitter. Criteria: Myriad Autosomal Dominant, Autosomal Recessive and X-Linked Classification Criteria (2023). Collection method: clinical testing. Allele origin: unknown.
Comment: NM_000532.4(PCCB):c.1288A>C(I430L) is a missense variant classified as likely pathogenic in the context of PCCB-related propionic acidemia. I430L has been observed in cases with relevant disease (PMID: 12189489, 39508076, Nomachi_2006_(article)). Relevant functional assessments of this variant are available in the literature (PMID: 12189489). Internal structural analysis of the variant is supportive of pathogenicity. I430L has not been observed in referenced population frequency databases. In summary, NM_000532.4(PCCB):c.1288A>C(I430L) is a missense variant that has internal structural support for pathogenicity and has been observed more frequently in cases with the relevant disease than in healthy populations. Please note: this variant was assessed in the context of healthy population screening.

Women's Health and Genetics/Laboratory Corporation of America, LabCorp
Classification: Pathogenic for Propionic acidemia. Last evaluated: 2024-10-22. Review status: criteria provided, single submitter. Criteria: LabCorp Variant Classification Summary - May 2015. Collection method: clinical testing. Allele origin: germline.
Comment: Variant summary: PCCB c.1288A>C (p.Ile430Leu) results in a conservative amino acid change located in the Acetyl-coenzyme A carboxyltransferase, C-terminal domain (IPR011763) of the encoded protein sequence. Four of five in-silico tools predict a damaging effect of the variant on protein function. At least one publication reports experimental evidence that this variant affects mRNA splicing, resulting in various aberrant transcripts all missing exon 12 (Yorifuji_2002). The variant was absent in 251000 control chromosomes (gnomAD). c.1288A>C has been reported in the literature in individuals affected with Propionic Acidemia (Yorifuji_2002, Tajima_2021). These data indicate that the variant is likely to be associated with disease. The following publications have been ascertained in the context of this evaluation (PMID: 12189489, 34203287). No submitters have cited clinical-significance assessments for this variant to ClinVar. Based on the evidence outlined above, the variant was classified as pathogenic.

Literature cited by the submitters: PubMed 12189489 (cited by Myriad Genetics, Inc. and Women's Health and Genetics/Laboratory Corporation of America, LabCorp); PubMed 34203287 (cited by Women's Health and Genetics/Laboratory Corporation of America, LabCorp).

NM_000532.5(PCCB):c.1288A>C (p.Ile430Leu)

Gene: PCCB (propionyl-CoA carboxylase subunit beta; plus strand). Cytogenetic location: 3q22.3.
Variant type: single nucleotide variant.
Coding change: c.1288A>C on transcript NM_000532.5 (MANE Select); coding-DNA position 1288, A replaced by C.
Protein change: p.Ile430Leu; replaces isoleucine 430 with leucine.
Molecular consequence: missense variant.
Genome position (GRCh38, 1-based): chr3:136,327,244, A>C. VCF-style: chr3-136327244-A-C. GRCh37 (hg19) VCF-style: chr3-136046086-A-C.
Other names: c.1348A>C, p.Ile450Leu (NM_001178014.2); short protein forms I430L, I450L.
Identifiers: ClinVar variation 3385147 (VCV003385147.2).